The following is an entry in ClinVar:

NM_001849.4(COL6A2):c.2566G>A (p.Val856Met)

Gene: COL6A2 (collagen type VI alpha 2 chain; plus strand). Cytogenetic location: 21q22.3.
Variant type: single nucleotide variant.
Coding change: c.2566G>A on transcript NM_001849.4 (MANE Select); coding-DNA position 2566, G replaced by A.
Protein change: p.Val856Met; replaces valine 856 with methionine.
Molecular consequence: missense variant.
Genome position (GRCh38, 1-based): chr21:46,132,058, G>A. VCF-style: chr21-46132058-G-A. GRCh37 (hg19) VCF-style: chr21-47551972-G-A.
Other names: p.V856M:GTG>ATG; short protein forms V856M.
Identifiers: ClinVar variation 162539 (VCV000162539.23), dbSNP rs368160013, ClinGen allele CA295284.
Genomic context (GRCh38, chr21:46,132,058, plus strand): 5'-TTCCTGCTGGACGGCTCCGAGCGGCTGGGTGAGCAGAACTTCCACAAGGCCCGGCGCTTC[G>A]TGGAGCAGGTGGCGCGGCGGCTGACGCTGGCCCGGAGGGACGACGACCCTCTCAACGCAC-3'
Protein context (NP_001840.3, residues 846-866): EQNFHKARRF[Val856Met]EQVARRLTLA

ClinVar aggregate classification (germline): Conflicting classifications of pathogenicity. Review status: criteria provided, conflicting classifications (1 of 4 stars). 6 submissions from 6 submitters: Uncertain significance (4); Benign (1); Likely benign (1). Last evaluated 2025-12-02.

Conditions:
Inborn genetic diseases. Identifiers: MedGen C0950123, MeSH D030342.
Collagen 6-related myopathy. Identifiers: MedGen CN117976, MONDO:0100225.
Bethlem myopathy 1A. Also called: Bethlem Muscular Dystrophy; Bethlem myopathy 1; MYOPATHY, BENIGN CONGENITAL, WITH CONTRACTURES. Identifiers: Orphanet 610, MedGen CN029274, MONDO:0024530, OMIM 158810.

Allele frequency attached by ClinVar (database versions not stated): ExAC 0.00011; gnomAD exomes 0.00006; gnomAD 0.00008 and 0.00009; TOPMed 0.00009; ESP Exome Variant Server 0.00023.

Submissions (6):

Women's Health and Genetics/Laboratory Corporation of America, LabCorp
Classification: Uncertain significance. Last evaluated: 2025-12-02. Review status: criteria provided, single submitter. Criteria: LabCorp Variant Classification Summary - May 2015. Collection method: clinical testing. Allele origin: germline.
Comment: Variant summary: COL6A2 c.2566G>A (p.Val856Met) results in a conservative amino acid change located in the third von Willebrand factor type A domain (IPR002035) of the encoded protein sequence. Algorithms developed to predict the effect of missense changes on protein structure and function are either unavailable or do not agree on the potential impact of this missense change. The variant allele was found at a frequency of 6.4e-05 in 233458 control chromosomes. This frequency is not significantly higher than estimated for disease-causing variants in COL6A2, allowing no conclusion about variant significance. To our knowledge, no occurrence of c.2566G>A in individuals affected with COL6A2-related conditions and no experimental evidence demonstrating its impact on protein function have been reported. ClinVar contains an entry for this variant (Variation ID: 162539). Based on the evidence outlined above, the variant was classified as uncertain significance.

Labcorp Genetics (formerly Invitae), Labcorp
Classification: Likely benign for Bethlem myopathy 1A. Last evaluated: 2025-12-01. Review status: criteria provided, single submitter. Criteria: Invitae Variant Classification Sherloc (09022015). Collection method: clinical testing. Allele origin: germline.

Revvity Omics, Revvity
Classification: Uncertain significance. Last evaluated: 2025-01-23. Review status: criteria provided, single submitter. Criteria: ACMG Guidelines, 2015. Collection method: clinical testing. Allele origin: germline.

GeneDx
Classification: Uncertain significance. Last evaluated: 2024-09-16. Review status: criteria provided, single submitter. Criteria: GeneDx Variant Classification Process June 2021. Collection method: clinical testing. Allele origin: germline. Affected: yes.
Comment: In silico analysis indicates that this missense variant does not alter protein structure/function; Has not been previously published as pathogenic or benign to our knowledge

Ambry Genetics
Classification: Uncertain significance for Inborn genetic diseases. Last evaluated: 2021-07-06. Review status: criteria provided, single submitter. Criteria: Ambry Variant Classification Scheme 2023. Collection method: clinical testing. Allele origin: germline.

Illumina Laboratory Services, Illumina
Classification: Benign for Collagen VI-related myopathy. Last evaluated: 2018-01-12. Review status: criteria provided, single submitter. Criteria: ICSL Variant Classification Criteria 13 December 2019. Collection method: clinical testing. Allele origin: germline.
Comment: This variant was observed in the ICSL laboratory as part of a predisposition screen in an ostensibly healthy population. It had not been previously curated by ICSL or reported in the Human Gene Mutation Database (HGMD: prior to June 1st, 2018), and was therefore a candidate for classification through an automated scoring system. Utilizing variant allele frequency, disease prevalence and penetrance estimates, and inheritance mode, an automated score was calculated to assess if this variant is too frequent to cause the disease. Based on the score and internal cut-off values, a variant classified as benign is not then subjected to further curation. The score for this variant resulted in a classification of benign for this disease.